The following is an entry in ClinVar:

NM_005097.4(LGI1):c.790G>C (p.Glu264Gln)

Gene: LGI1 (leucine rich glioma inactivated 1; plus strand). Cytogenetic location: 10q23.33.
Variant type: single nucleotide variant.
Coding change: c.790G>C on transcript NM_005097.4 (MANE Select); coding-DNA position 790, G replaced by C.
Protein change: p.Glu264Gln; replaces glutamic acid 264 with glutamine.
Molecular consequence: missense variant. On other transcripts: non-coding transcript variant (1).
Genome position (GRCh38, 1-based): chr10:93,793,302, G>C. VCF-style: chr10-93793302-G-C. GRCh37 (hg19) VCF-style: chr10-95553059-G-C.
Other names: c.790G>C, p.Glu264Gln (NM_001308275.2); c.646G>C, p.Glu216Gln (NM_001308276.2); short protein forms E216Q, E264Q.
Identifiers: ClinVar variation 2576586 (VCV002576586.2), dbSNP rs2492906307, ClinGen allele CA377624375.
Genomic context (GRCh38, chr10:93,793,302, plus strand): 5'-TATTTGAATGATGAGTATGTAGTCATCGCTCAGCCTTTTACTGGAAAATGCATTTTCCTT[G>C]AATGGGACCATGTGGAAAAGACCTTCCGGAATTATGACAACATTACAGGTATGAAAAGCC-3'
Protein context (NP_005088.1, residues 254-274): QPFTGKCIFL[Glu264Gln]WDHVEKTFRN

ClinVar aggregate classification (germline): Uncertain significance (1 of 4 stars; one submission).

Conditions:
Epilepsy, familial temporal lobe, 1. Identifiers: Orphanet 101046, MedGen CN030884, MONDO:0700090, OMIM 600512.

Submission:

Institute of Human Genetics, University of Leipzig Medical Center
Classification: Uncertain significance for Epilepsy, familial temporal lobe, 1. Last evaluated: 2023-06-26. Review status: criteria provided, single submitter. Criteria: ACMG Guidelines, 2015. Collection method: clinical testing. Allele origin: de novo. Inheritance: Autosomal dominant inheritance. Affected: yes.
Comment: Detected in a mosaic state (40% mosaicism). Criteria applied: PS2_MOD,PM2_SUP